The following is an entry in ClinVar:

NM_004369.4(COL6A3):c.937G>C (p.Gly313Arg)

Gene: COL6A3 (collagen type VI alpha 3 chain; minus strand). Cytogenetic location: 2q37.3.
Variant type: single nucleotide variant.
Coding change: c.937G>C on transcript NM_004369.4 (MANE Select); coding-DNA position 937, G replaced by C.
Protein change: p.Gly313Arg; replaces glycine 313 with arginine.
Molecular consequence: missense variant. On other transcripts: intron variant (2).
Genome position (GRCh38, 1-based): chr2:237,387,957, C>G on the plus strand (G>C on the coding strand, the complement: COL6A3 is on the minus strand). VCF-style: chr2-237387957-C-G. GRCh37 (hg19) VCF-style: chr2-238296600-C-G.
Other names: c.319G>C, p.Gly107Arg (NM_057165.5, NM_057167.4); c.92-6458G>C (NM_057166.5, NM_057164.5); short protein forms G107R, G313R.
Identifiers: ClinVar variation 5040212 (VCV005040212.1).
Genomic context (GRCh38, chr2:237,387,957, plus strand): 5'-GGTTCTCCACCACGAAATCAAGGGCGAGGCCGATATTGGCCAACTCCCCACCAGCAAACC[C>G]GAGGGCTTTCACTGCACCCAGAACCTGGGCCTTGGTGGAGTAGGTGTCCAAGGAGAACAT-3'
Protein context (NP_004360.2, residues 303-323): AQVLGAVKAL[Gly313Arg]FAGGELANIG

ClinVar aggregate classification (germline): Uncertain significance (1 of 4 stars; one submission).

Submission:

CeGaT Center for Human Genetics Tuebingen
Classification: Uncertain significance. Last evaluated: 2026-07-01. Review status: criteria provided, single submitter. Criteria: CeGaT Center For Human Genetics Tuebingen Variant Classification Criteria Version 2. Collection method: clinical testing. Allele origin: germline. Affected: yes. Observed: 1 variant allele.
Comment: COL6A3: PM2, BP4